The following is an entry in ClinVar:

ClinVar aggregate classification (germline): Uncertain significance (1 of 4 stars; one submission).

Allele frequency attached by ClinVar (database versions not stated): TOPMed below 0.00001.

Submission:

Labcorp Genetics (formerly Invitae), Labcorp
Classification: Uncertain significance. Last evaluated: 2022-08-09. Review status: criteria provided, single submitter. Criteria: Invitae Variant Classification Sherloc (09022015). Collection method: clinical testing. Allele origin: germline.
Comment: In summary, the available evidence is currently insufficient to determine the role of this variant in disease. Therefore, it has been classified as a Variant of Uncertain Significance. Algorithms developed to predict the effect of missense changes on protein structure and function output the following: SIFT: "Tolerated"; PolyPhen-2: "Benign"; Align-GVGD: "Class C0". The valine amino acid residue is found in multiple mammalian species, which suggests that this missense change does not adversely affect protein function. ClinVar contains an entry for this variant (Variation ID: 1380404). This variant has not been reported in the literature in individuals affected with ACBD5-related conditions. This variant is not present in population databases (gnomAD no frequency). This sequence change replaces alanine, which is neutral and non-polar, with valine, which is neutral and non-polar, at codon 361 of the ACBD5 protein (p.Ala361Val).

NM_145698.5(ACBD5):c.1082C>T (p.Ala361Val)

Gene: ACBD5 (acyl-CoA binding domain containing 5; minus strand). Cytogenetic location: 10p12.1.
Variant type: single nucleotide variant.
Coding change: c.1082C>T on transcript NM_145698.5 (MANE Select); coding-DNA position 1082, C replaced by T.
Protein change: p.Ala361Val; replaces alanine 361 with valine.
Molecular consequence: missense variant.
Genome position (GRCh38, 1-based): chr10:27,210,936, G>A on the plus strand (C>T on the coding strand, the complement: ACBD5 is on the minus strand). VCF-style: chr10-27210936-G-A. GRCh37 (hg19) VCF-style: chr10-27499865-G-A.
Other names: c.977C>T, p.Ala326Val (NM_001042473.4, NM_001352577.2, NM_001352578.2 and 1 more transcripts); c.1076C>T, p.Ala359Val (NM_001271512.3); c.755C>T, p.Ala252Val (NM_001301251.2, NM_001301252.2, NM_001301253.2 and 2 more transcripts); c.551C>T, p.Ala184Val (NM_001301254.2); c.1136C>T, p.Ala379Val (NM_001352568.1); c.1115C>T, p.Ala372Val (NM_001352569.1); c.1082C>T, p.Ala361Val (NM_001352570.1); c.1109C>T, p.Ala370Val (NM_001352571.1); and 10 more; short protein forms A258V, A293V, A359V, A361V, A263V, A291V, A308V, A337V.
Identifiers: ClinVar variation 1380404 (VCV001380404.4), dbSNP rs901970007, ClinGen allele CA204465328.